The following is an entry in ClinVar:

NM_001159699.2(FHL1):c.494A>G (p.Tyr165Cys)

Gene: FHL1 (four and a half LIM domains 1; plus strand). Cytogenetic location: Xq26.3.
Variant type: single nucleotide variant.
Coding change: c.494A>G on transcript NM_001159699.2 (MANE Select); coding-DNA position 494, A replaced by G.
Protein change: p.Tyr165Cys; replaces tyrosine 165 with cysteine.
Molecular consequence: missense variant. On other transcripts: non-coding transcript variant (1).
Genome position (GRCh38, 1-based): chrX:136,207,906, A>G. VCF-style: chrX-136207906-A-G. GRCh37 (hg19) VCF-style: chrX-135290065-A-G.
Other names: c.446A>G, p.Tyr149Cys (NM_001159700.2, NM_001159702.3, NM_001159703.2 and 9 more transcripts); c.533A>G, p.Tyr178Cys (NM_001159701.2); c.494A>G, p.Tyr165Cys (NM_001330659.2); c.446A>G (NM_001449.4); short protein forms Y149C, Y165C, Y178C.
Identifiers: ClinVar variation 1379144 (VCV001379144.5), dbSNP rs2148376111, ClinGen allele CA414608548.

ClinVar aggregate classification (germline): Uncertain significance. Review status: criteria provided, multiple submitters, no conflicts (2 of 4 stars). 3 submissions from 3 submitters: Uncertain significance (3). Last evaluated 2026-04-27.

Conditions:
Cardiovascular phenotype. Identifiers: MedGen CN230736.
Uruguay Faciocardiomusculoskeletal syndrome. Identifiers: MedGen C1846010, MONDO:0010292, OMIM 300280.
X-linked scapuloperoneal muscular dystrophy. Also called: SCAPULOPERONEAL MYOPATHY, FHL1-RELATED. Identifiers: Orphanet 431272, MedGen C2678061, MONDO:0010400, OMIM 300695.
X-linked myopathy with postural muscle atrophy. Also called: FHL1-Related Emery-Dreifuss Muscular Dystrophy, X-Linked. Identifiers: Orphanet 178461, MedGen C2678055, MONDO:0010401, OMIM 300696.
Myopathy, reducing body, X-linked, childhood-onset (RBMX1B). Also called: REDUCING BODY MYOPATHY, X-LINKED 1B, WITH LATE CHILDHOOD OR ADULT ONSET. Identifiers: Orphanet 97239, MedGen C4225159, MONDO:0010415, OMIM 300718.
Myopathy, reducing body, X-linked, early-onset, severe (RBMX1A). Also called: REDUCING BODY MYOPATHY, X-LINKED 1, SEVERE, WITH INFANTILE OR EARLY CHILDHOOD ONSET. Identifiers: Orphanet 97239, MedGen C4225423, MONDO:0010414, OMIM 300717.

Submissions (3):

Ambry Genetics
Classification: Uncertain significance for Cardiovascular phenotype. Last evaluated: 2026-04-27. Review status: criteria provided, single submitter. Criteria: Ambry Variant Classification Scheme 2023. Collection method: clinical testing. Allele origin: germline.
Comment: The p.Y149C variant (also known as c.446A>G), located in coding exon 3 of the FHL1 gene, results from an A to G substitution at nucleotide position 446. The tyrosine at codon 149 is replaced by cysteine, an amino acid with highly dissimilar properties. This amino acid position is conserved. In addition, this alteration is predicted to be deleterious by in silico analysis. Based on the available evidence, the clinical significance of this variant remains unclear.

Labcorp Genetics (formerly Invitae), Labcorp
Classification: Uncertain significance for X-linked myopathy with postural muscle atrophy. Last evaluated: 2021-10-22. Review status: criteria provided, single submitter. Criteria: Invitae Variant Classification Sherloc (09022015). Collection method: clinical testing. Allele origin: germline.
Comment: This sequence change replaces tyrosine with cysteine at codon 149 of the FHL1 protein (p.Tyr149Cys). The tyrosine residue is highly conserved and there is a large physicochemical difference between tyrosine and cysteine. This variant is not present in population databases (ExAC no frequency). This variant has not been reported in the literature in individuals affected with FHL1-related conditions. Algorithms developed to predict the effect of missense changes on protein structure and function (SIFT, PolyPhen-2, Align-GVGD) all suggest that this variant is likely to be disruptive. In summary, the available evidence is currently insufficient to determine the role of this variant in disease. Therefore, it has been classified as a Variant of Uncertain Significance.

Fulgent Genetics
Classification: Uncertain significance for Uruguay Faciocardiomusculoskeletal syndrome; X-linked scapuloperoneal muscular dystrophy; X-linked myopathy with postural muscle atrophy; Myopathy, reducing body, X-linked, early-onset, severe; Myopathy, reducing body, X-linked, childhood-onset. Last evaluated: 2021-09-24. Review status: criteria provided, single submitter. Criteria: ACMG Guidelines, 2015. Collection method: clinical testing. Allele origin: unknown.